The following is an entry in ClinVar:

NM_032588.4(TRIM63):c.695C>T (p.Thr232Met)

Gene: TRIM63 (tripartite motif containing 63; minus strand). Cytogenetic location: 1p36.11.
Variant type: single nucleotide variant.
Coding change: c.695C>T on transcript NM_032588.4 (MANE Select); coding-DNA position 695, C replaced by T.
Protein change: p.Thr232Met; replaces threonine 232 with methionine.
Molecular consequence: missense variant.
Genome position (GRCh38, 1-based): chr1:26,058,526, G>A on the plus strand (C>T on the coding strand, the complement: TRIM63 is on the minus strand). VCF-style: chr1-26058526-G-A. GRCh37 (hg19) VCF-style: chr1-26385017-G-A.
Other names: short protein forms T232M.
Identifiers: ClinVar variation 3907295 (VCV003907295.1).

ClinVar aggregate classification (germline): Uncertain significance (1 of 4 stars; one submission).

gnomAD v4.1: 89 of 1,614,046 alleles (0.0055%); highest among the groups gnomAD compares: East Asian, 0.0067%; no homozygotes.

Submission:

Women's Health and Genetics/Laboratory Corporation of America, LabCorp
Classification: Uncertain significance. Last evaluated: 2025-06-09. Review status: criteria provided, single submitter. Criteria: LabCorp Variant Classification Summary - May 2015. Collection method: clinical testing. Allele origin: germline.
Comment: Variant summary: TRIM63 c.695C>T (p.Thr232Met) results in a non-conservative amino acid change in the encoded protein sequence. Algorithms developed to predict the effect of missense changes on protein structure and function are either unavailable or do not agree on the potential impact of this missense change. The variant allele was found at a frequency of 1.6e-05 in 251462 control chromosomes. The available data on variant occurrences in the general population are insufficient to allow any conclusion about variant significance. c.695C>T has been observed in at-least one heterozygous individual affected with Hypertrophic Cardiomyopathy; however, this individual was also carried a pathogenic variant in the MYBPC3 gene (example: Su_2014). These report(s) do not provide unequivocal conclusions about association of the TRIM63 c.695C>T variant with Hypertrophic Cardiomyopathy, Autosomal Dominant. At least one publication reports experimental evidence evaluating an impact on protein function. Specifically, the variant demonstrated auto-monoubiquitylation activity levels comparable to wild type (example: Chunthorng-Orn_2025). The following publications have been ascertained in the context of this evaluation (PMID: 24865491, 40332812). No submitters have cited clinical-significance assessments for this variant to ClinVar. Based on the evidence outlined above, the variant was classified as uncertain significance.

Literature cited by the submitters: PubMed 40332812; PubMed 24865491.